The following is an entry in ClinVar:

ClinVar aggregate classification (germline): Uncertain significance (1 of 4 stars; one submission).

Submission:

Ambry Genetics
Classification: Uncertain significance. Last evaluated: 2025-02-02. Review status: criteria provided, single submitter. Criteria: Ambry Variant Classification Scheme 2023. Collection method: clinical testing. Allele origin: germline.
Comment: The p.T65S variant (also known as c.193A>T), located in coding exon 1 of the ATRIP gene, results from an A to T substitution at nucleotide position 193. The threonine at codon 65 is replaced by serine, an amino acid with similar properties. This amino acid position is conserved. In addition, this alteration is predicted to be tolerated by in silico analysis. Based on the available evidence, the clinical significance of this variant remains unclear.

NM_130384.3(ATRIP):c.193A>T (p.Thr65Ser)

Genes: ATRIP (ATR interacting protein; plus strand), ATRIP-TREX1 (ATRIP-TREX1 readthrough; plus strand), LOC129936703 (ATAC-STARR-seq lymphoblastoid silent region 14331; plus strand). Cytogenetic location: 3p21.31.
Variant type: single nucleotide variant.
Coding change: c.193A>T on transcript NM_130384.3 (MANE Select); coding-DNA position 193, A replaced by T.
Protein change: p.Thr65Ser; replaces threonine 65 with serine.
Molecular consequence: missense variant. On other transcripts: non-coding transcript variant (1), intron variant (1).
Genome position (GRCh38, 1-based): chr3:48,447,038, A>T. VCF-style: chr3-48447038-A-T. GRCh37 (hg19) VCF-style: chr3-48488442-A-T.
Other names: c.193A>T, p.Thr65Ser (NM_032166.4); c.-218+239A>T (NM_001271022.2); short protein forms T65S.
Identifiers: ClinVar variation 3810293 (VCV003810293.1).